The following is an entry in ClinVar:

ClinVar aggregate classification (germline): Uncertain significance. Review status: criteria provided, multiple submitters, no conflicts (2 of 4 stars). 2 submissions from 2 submitters: Uncertain significance (2). Last evaluated 2023-03-01.

Conditions:
Imerslund-Grasbeck syndrome. Also called: ENTEROCYTE COBALAMIN MALABSORPTION; ENTEROCYTE INTRINSIC FACTOR RECEPTOR, DEFECT OF; PERNICIOUS ANEMIA, JUVENILE, DUE TO SELECTIVE INTESTINAL MALABSORPTION OF VITAMIN B12, WITH PROTEINURIA; Megaloblastic anemia due to inborn errors of metabolism; Imerslund-Gräsbeck syndrome. Identifiers: Orphanet 35858, MedGen C4551825, MONDO:0009853.
Inborn genetic diseases. Identifiers: MedGen C0950123, MeSH D030342.

Allele frequency attached by ClinVar (database versions not stated): ExAC 0.00002; gnomAD 0.00003; TOPMed 0.00003.
gnomAD v4.1: 32 of 1,613,816 alleles (0.002%); highest among the groups gnomAD compares: Non-Finnish European, 0.0025%; no homozygotes.

Submissions (2):

Ambry Genetics
Classification: Uncertain significance for Inborn genetic diseases. Last evaluated: 2023-03-01. Review status: criteria provided, single submitter. Criteria: Ambry Variant Classification Scheme 2023. Collection method: clinical testing. Allele origin: germline.

Labcorp Genetics (formerly Invitae), Labcorp
Classification: Uncertain significance for Imerslund-Grasbeck syndrome. Last evaluated: 2022-03-09. Review status: criteria provided, single submitter. Criteria: Invitae Variant Classification Sherloc (09022015). Collection method: clinical testing. Allele origin: germline.
Comment: In summary, the available evidence is currently insufficient to determine the role of this variant in disease. Therefore, it has been classified as a Variant of Uncertain Significance. Algorithms developed to predict the effect of missense changes on protein structure and function are either unavailable or do not agree on the potential impact of this missense change (SIFT: "Deleterious"; PolyPhen-2: "Probably Damaging"; Align-GVGD: "Class C15"). This variant has not been reported in the literature in individuals affected with CUBN-related conditions. This variant is present in population databases (rs762772419, gnomAD 0.004%). This sequence change replaces arginine, which is basic and polar, with tryptophan, which is neutral and slightly polar, at codon 843 of the CUBN protein (p.Arg843Trp).

NM_001081.4(CUBN):c.2527A>T (p.Arg843Trp)

Gene: CUBN (cubilin; minus strand). Cytogenetic location: 10p13.
Variant type: single nucleotide variant.
Coding change: c.2527A>T on transcript NM_001081.4 (MANE Select); coding-DNA position 2527, A replaced by T.
Protein change: p.Arg843Trp; replaces arginine 843 with tryptophan.
Molecular consequence: missense variant.
Genome position (GRCh38, 1-based): chr10:17,071,524, T>A on the plus strand (A>T on the coding strand, the complement: CUBN is on the minus strand). VCF-style: chr10-17071524-T-A. GRCh37 (hg19) VCF-style: chr10-17113523-T-A.
Other names: short protein forms R843W.
Identifiers: ClinVar variation 2200572 (VCV002200572.6), dbSNP rs762772419, ClinGen allele CA5424950.